The following is an entry in ClinVar:

ClinVar aggregate classification (germline): Uncertain significance (1 of 4 stars; one submission).

Conditions:
Hypertrophic cardiomyopathy. Also called: HYPERTROPHIC MYOCARDIOPATHY. Identifiers: Orphanet 217569, MedGen C0007194, MeSH D002312, MONDO:0005045, HP:0001639.

Submission:

Labcorp Genetics (formerly Invitae), Labcorp
Classification: Uncertain significance for Hypertrophic cardiomyopathy. Last evaluated: 2024-10-12. Review status: criteria provided, single submitter. Criteria: Invitae Variant Classification Sherloc (09022015). Collection method: clinical testing. Allele origin: germline.
Comment: This sequence change replaces alanine, which is neutral and non-polar, with proline, which is neutral and non-polar, at codon 226 of the MYH7 protein (p.Ala226Pro). This variant is not present in population databases (gnomAD no frequency). This variant has not been reported in the literature in individuals affected with MYH7-related conditions. Invitae Evidence Modeling of protein sequence and biophysical properties (such as structural, functional, and spatial information, amino acid conservation, physicochemical variation, residue mobility, and thermodynamic stability) indicates that this missense variant is expected to disrupt MYH7 protein function with a positive predictive value of 95%. This variant disrupts the p.Ala226 amino acid residue in MYH7. Other variant(s) that disrupt this residue have been determined to be pathogenic (PMID: 27247418, 27532257; internal data). This suggests that this residue is clinically significant, and that variants that disrupt this residue are likely to be disease-causing. In summary, the available evidence is currently insufficient to determine the role of this variant in disease. Therefore, it has been classified as a Variant of Uncertain Significance.

Literature cited by the submitters: PubMed 27247418; PubMed 27532257.

NM_000257.4(MYH7):c.676G>C (p.Ala226Pro)

Gene: MYH7 (myosin heavy chain 7; minus strand). Cytogenetic location: 14q11.2.
Variant type: single nucleotide variant.
Coding change: c.676G>C on transcript NM_000257.4 (MANE Select); coding-DNA position 676, G replaced by C.
Protein change: p.Ala226Pro; replaces alanine 226 with proline.
Molecular consequence: missense variant.
Genome position (GRCh38, 1-based): chr14:23,431,641, C>G on the plus strand (G>C on the coding strand, the complement: MYH7 is on the minus strand). VCF-style: chr14-23431641-C-G. GRCh37 (hg19) VCF-style: chr14-23900850-C-G.
Other names: c.676G>C, p.Ala226Pro (NM_001407004.1); short protein forms A226P.
Identifiers: ClinVar variation 3636056 (VCV003636056.2).
Genomic context (GRCh38, chr14:23,431,641, plus strand): 5'-TCACGAAGCGGGAGGAGTTGTCGTTCCGGACGGTCTTGGCATTGCCAAAGGCCTCCAGAG[C>G]AGGGTTGGCCTGGATGATCTGGTCCTCCAGGGTGCCCTGCAGAGGCCAAGAAGGAGGCAG-3'
Protein context (NP_000248.2, residues 216-236): LEDQIIQANP[Ala226Pro]LEAFGNAKTV